The following is an entry in ClinVar:

ClinVar aggregate classification (germline): Uncertain significance (1 of 4 stars; one submission).

Submission:

Labcorp Genetics (formerly Invitae), Labcorp
Classification: Uncertain significance. Last evaluated: 2024-04-19. Review status: criteria provided, single submitter. Criteria: Invitae Variant Classification Sherloc (09022015). Collection method: clinical testing. Allele origin: germline.
Comment: This sequence change replaces phenylalanine, which is neutral and non-polar, with leucine, which is neutral and non-polar, at codon 2210 of the SRCAP protein (p.Phe2210Leu). This variant is not present in population databases (gnomAD no frequency). This variant has not been reported in the literature in individuals affected with SRCAP-related conditions. Advanced modeling of protein sequence and biophysical properties (such as structural, functional, and spatial information, amino acid conservation, physicochemical variation, residue mobility, and thermodynamic stability) performed at Invitae indicates that this missense variant is not expected to disrupt SRCAP protein function with a negative predictive value of 80%. In summary, the available evidence is currently insufficient to determine the role of this variant in disease. Therefore, it has been classified as a Variant of Uncertain Significance.

NM_006662.3(SRCAP):c.6630T>G (p.Phe2210Leu)

Gene: SRCAP (Snf2 related CREBBP activator protein; plus strand). Cytogenetic location: 16p11.2.
Variant type: single nucleotide variant.
Coding change: c.6630T>G on transcript NM_006662.3 (MANE Select); coding-DNA position 6630, T replaced by G.
Protein change: p.Phe2210Leu; replaces phenylalanine 2210 with leucine.
Molecular consequence: missense variant.
Genome position (GRCh38, 1-based): chr16:30,734,516, T>G. VCF-style: chr16-30734516-T-G. GRCh37 (hg19) VCF-style: chr16-30745837-T-G.
Other names: short protein forms F2210L.
Identifiers: ClinVar variation 2693365 (VCV002693365.3), dbSNP rs2506715140, ClinGen allele CA395626033.